The following is an entry in ClinVar:

ClinVar aggregate classification (germline): Uncertain significance (1 of 4 stars; one submission).

Allele frequency attached by ClinVar (database versions not stated): gnomAD exomes below 0.00001; TOPMed below 0.00001.

Submission:

Labcorp Genetics (formerly Invitae), Labcorp
Classification: Uncertain significance. Last evaluated: 2021-04-10. Review status: criteria provided, single submitter. Criteria: Invitae Variant Classification Sherloc (09022015). Collection method: clinical testing. Allele origin: germline.
Comment: Algorithms developed to predict the effect of missense changes on protein structure and function (SIFT, PolyPhen-2, Align-GVGD) all suggest that this variant is likely to be tolerated, but these predictions have not been confirmed by published functional studies and their clinical significance is uncertain. In summary, the available evidence is currently insufficient to determine the role of this variant in disease. Therefore, it has been classified as a Variant of Uncertain Significance. This variant has not been reported in the literature in individuals with MTTP-related conditions. This variant is not present in population databases (ExAC no frequency). This sequence change replaces proline with serine at codon 884 of the MTTP protein (p.Pro884Ser). The proline residue is weakly conserved and there is a moderate physicochemical difference between proline and serine.

NM_001386140.1(MTTP):c.2650C>T (p.Pro884Ser)

Gene: MTTP (microsomal triglyceride transfer protein; plus strand). Cytogenetic location: 4q23.
Variant type: single nucleotide variant.
Coding change: c.2650C>T on transcript NM_001386140.1 (MANE Select); coding-DNA position 2650, C replaced by T.
Protein change: p.Pro884Ser; replaces proline 884 with serine.
Molecular consequence: missense variant.
Genome position (GRCh38, 1-based): chr4:99,622,813, C>T. VCF-style: chr4-99622813-C-T. GRCh37 (hg19) VCF-style: chr4-100543970-C-T.
Other names: c.2650C>T, p.Pro884Ser (NM_000253.4); c.2401C>T, p.Pro801Ser (NM_001300785.2); short protein forms P884S, P801S.
Identifiers: ClinVar variation 1467387 (VCV001467387.8), dbSNP rs1194586886, ClinGen allele CA357520708.
Genomic context (GRCh38, chr4:99,622,813, plus strand): 5'-GCAGGATGTGAATTCCCGCTCCATCAAGAGAACTCAGAGATGTGCAAAGTGGTGTTTGCC[C>T]CTCAGCCGGATAGTACTTCCAGCGGATGGTTTTGAAACTGACCTGTGATATTTTACTTGA-3'
Protein context (NP_001373069.1, residues 874-894): NSEMCKVVFA[Pro884Ser]QPDSTSSGWF